The following is an entry in ClinVar:

ClinVar aggregate classification (germline): Conflicting classifications of pathogenicity. Review status: criteria provided, conflicting classifications (1 of 4 stars). 2 submissions from 2 submitters: Likely pathogenic (1); Uncertain significance (1). Last evaluated 2026-07-01.

Conditions:
Glycogen storage disease, type II (IOPD). Also called: CARDIOMEGALIA GLYCOGENICA DIFFUSA; Glycogen storage disease type 2; Acid maltase deficiency disease; Aglucosidase alfa; Deficiency of alpha-glucosidase; Deficiency of lysosomal alpha-glucosidase. Identifiers: Orphanet 365, MedGen C0017921, MONDO:0009290, OMIM 232300.

gnomAD v4.1: 1 of 1,612,876 alleles (0.000062%); no homozygotes.

Submissions (2):

Genomenon, Inc
Classification: Uncertain significance for Glycogen storage disease, type II. Last evaluated: 2026-07-01. Review status: criteria provided, single submitter. Criteria: Genomenon Sequence Variant Interpretation Standards - Updated. Collection method: curation. Allele origin: germline.
Comment: GAA p.Arg154Pro (c.461G>C) is a missense variant that changes the amino acid at codon 154 from Arginine to Proline. This variant has been reported in the compound heterozygous and/or homozygous state in at least one individual without a confirmed diagnosis of Pompe disease (PMID:18285536). It is absent or not present at a significant frequency in gnomAD. In silico models predict that this variant is possibly or probably damaging. In conclusion, we classify GAA p.Arg154Pro (c.461G>C) as a variant of uncertain significance.

Centre for Mendelian Genomics, University Medical Centre Ljubljana
Classification: Likely pathogenic for Glycogen storage disease, type II. Last evaluated: 2016-01-01. Review status: criteria provided, single submitter. Criteria: ACMG Guidelines, 2015. Collection method: clinical testing. Allele origin: unknown. Affected: yes.
Comment: This variant was classified as: Likely pathogenic.

Literature cited by the submitters: PubMed 18285536 (cited by Genomenon, Inc).

NM_000152.5(GAA):c.461G>C (p.Arg154Pro)

Gene: GAA (alpha glucosidase; plus strand). Cytogenetic location: 17q25.3.
Variant type: single nucleotide variant.
Coding change: c.461G>C on transcript NM_000152.5 (MANE Select); coding-DNA position 461, G replaced by C.
Protein change: p.Arg154Pro; replaces arginine 154 with proline.
Molecular consequence: missense variant.
Genome position (GRCh38, 1-based): chr17:80,105,047, G>C. VCF-style: chr17-80105047-G-C. GRCh37 (hg19) VCF-style: chr17-78078846-G-C.
Other names: c.461G>C, p.Arg154Pro (NM_001079803.3, NM_001079804.3); short protein forms R154P.
Identifiers: ClinVar variation 930446 (VCV000930446.4), dbSNP rs781124934, ClinGen allele CA401361525.